The following is an entry in ClinVar:

ClinVar aggregate classification (germline): Uncertain significance (1 of 4 stars; one submission).

Conditions:
Familial adenomatous polyposis 1 (FAP1). Also called: FAMILIAL ADENOMATOUS POLYPOSIS 1, ATTENUATED; POLYPOSIS, ADENOMATOUS INTESTINAL. Identifiers: MedGen C2713442, MONDO:0021056, OMIM 175100. Disease mechanism: loss of function.

Submission:

Labcorp Genetics (formerly Invitae), Labcorp
Classification: Uncertain significance for Familial adenomatous polyposis 1. Last evaluated: 2024-03-20. Review status: criteria provided, single submitter. Criteria: Invitae Variant Classification Sherloc (09022015). Collection method: clinical testing. Allele origin: germline.
Comment: This sequence change replaces valine, which is neutral and non-polar, with leucine, which is neutral and non-polar, at codon 2278 of the APC protein (p.Val2278Leu). This variant is not present in population databases (gnomAD no frequency). This variant has not been reported in the literature in individuals affected with APC-related conditions. Advanced modeling of protein sequence and biophysical properties (such as structural, functional, and spatial information, amino acid conservation, physicochemical variation, residue mobility, and thermodynamic stability) performed at Invitae indicates that this missense variant is not expected to disrupt APC protein function with a negative predictive value of 95%. In summary, the available evidence is currently insufficient to determine the role of this variant in disease. Therefore, it has been classified as a Variant of Uncertain Significance.

NM_000038.6(APC):c.6832G>C (p.Val2278Leu)

Gene: APC (APC regulator of Wnt signaling pathway; plus strand). Cytogenetic location: 5q22.2.
Variant type: single nucleotide variant.
Coding change: c.6832G>C on transcript NM_000038.6 (MANE Select); coding-DNA position 6832, G replaced by C.
Protein change: p.Val2278Leu; replaces valine 2278 with leucine.
Molecular consequence: missense variant. On other transcripts: non-coding transcript variant (2).
Genome position (GRCh38, 1-based): chr5:112,842,426, G>C. VCF-style: chr5-112842426-G-C. GRCh37 (hg19) VCF-style: chr5-112178123-G-C.
Other names: c.6862G>C, p.Val2288Leu (NM_001354897.2); c.6778G>C, p.Val2260Leu (NM_001127511.3); c.6757G>C, p.Val2253Leu (NM_001354898.2); c.6832G>C, p.Val2278Leu (NM_001127510.3, NM_001354895.2, NM_001407450.1); c.6886G>C, p.Val2296Leu (NM_001354896.2, NM_001407447.1, NM_001407448.1 and 1 more transcripts); c.6748G>C, p.Val2250Leu (NM_001354899.2); c.6709G>C, p.Val2237Leu (NM_001354900.2); c.6655G>C, p.Val2219Leu (NM_001354901.2, NM_001407453.1); and 11 more; short protein forms V1894L, V2288L, V2296L, V1995L, V2118L, V2177L, V2237L, V2253L.
Identifiers: ClinVar variation 3670962 (VCV003670962.2).